The following is an entry in ClinVar:

NM_005629.4(SLC6A8):c.299T>C (p.Val100Ala)

Gene: SLC6A8 (solute carrier family 6 member 8; plus strand). Cytogenetic location: Xq28.
Variant type: single nucleotide variant.
Coding change: c.299T>C on transcript NM_005629.4 (MANE Select); coding-DNA position 299, T replaced by C.
Protein change: p.Val100Ala; replaces valine 100 with alanine.
Molecular consequence: missense variant. On other transcripts: 5 prime UTR variant (1).
Genome position (GRCh38, 1-based): chrX:153,690,411, T>C. VCF-style: chrX-153690411-T-C. GRCh37 (hg19) VCF-style: chrX-152955866-T-C.
Other names: c.299T>C, p.Val100Ala (NM_001142805.2); c.-47T>C (NM_001142806.1); short protein forms V100A.
Identifiers: ClinVar variation 2503332 (VCV002503332.2), dbSNP rs2522152289, ClinGen allele CA415077479.

ClinVar aggregate classification (germline): Uncertain significance (1 of 4 stars; one submission).

Submission:

GeneDx
Classification: Uncertain significance. Last evaluated: 2026-05-14. Review status: criteria provided, single submitter. Criteria: GeneDx Variant Classification Process June 2021. Collection method: clinical testing. Allele origin: germline.
Comment: Has not been previously published as pathogenic or benign to our knowledge; Not observed at significant frequency in large population cohorts (gnomAD); In silico analysis suggests that this missense variant does not alter protein structure/function